The following is an entry in ClinVar:

ClinVar aggregate classification (germline): Uncertain significance. Review status: criteria provided, multiple submitters, no conflicts (2 of 4 stars). 2 submissions from 2 submitters: Uncertain significance (2). Last evaluated 2025-07-17.

Conditions:
Renal cell carcinoma. Identifiers: Orphanet 217071, MedGen C0007134, MeSH D002292, MONDO:0005086, HP:0005584.
Hereditary cancer-predisposing syndrome. Also called: Neoplastic Syndromes, Hereditary; Tumor predisposition; Hereditary neoplastic syndrome; Hereditary Cancer Syndrome. Identifiers: Orphanet 140162, MedGen C0027672, MeSH D009386, MONDO:0015356.

Allele frequency attached by ClinVar (database versions not stated): gnomAD exomes below 0.00001; ExAC 0.00001.
gnomAD v4.1: 1 of 1,613,996 alleles (0.000062%); highest among the groups gnomAD compares: East Asian, 0.0022%; no homozygotes.

Submissions (2):

Labcorp Genetics (formerly Invitae), Labcorp
Classification: Uncertain significance for Renal cell carcinoma. Last evaluated: 2025-07-17. Review status: criteria provided, single submitter. Criteria: Invitae Variant Classification Sherloc (09022015). Collection method: clinical testing. Allele origin: germline.
Comment: This sequence change replaces proline, which is neutral and non-polar, with serine, which is neutral and polar, at codon 1176 of the MET protein (p.Pro1176Ser). The frequency data for this variant in the population databases is considered unreliable, as metrics indicate poor data quality at this position in the gnomAD database. This variant has not been reported in the literature in individuals affected with MET-related conditions. ClinVar contains an entry for this variant (Variation ID: 823884). Invitae Evidence Modeling of protein sequence and biophysical properties (such as structural, functional, and spatial information, amino acid conservation, physicochemical variation, residue mobility, and thermodynamic stability) indicates that this missense variant is expected to disrupt MET protein function with a positive predictive value of 80%. In summary, the available evidence is currently insufficient to determine the role of this variant in disease. Therefore, it has been classified as a Variant of Uncertain Significance.

Ambry Genetics
Classification: Uncertain significance for Hereditary cancer-predisposing syndrome. Last evaluated: 2025-07-09. Review status: criteria provided, single submitter. Criteria: Ambry Variant Classification Scheme 2023. Collection method: clinical testing. Allele origin: germline.
Comment: The p.P1176S variant (also known as c.3526C>T), located in coding exon 16 of the MET gene, results from a C to T substitution at nucleotide position 3526. The proline at codon 1176 is replaced by serine, an amino acid with similar properties. This amino acid position is highly conserved in available vertebrate species. In addition, the in silico prediction for this alteration is inconclusive. Based on the available evidence, the clinical significance of this variant remains unclear.

NM_000245.4(MET):c.3472C>T (p.Pro1158Ser)

Gene: MET (MET proto-oncogene, receptor tyrosine kinase; plus strand). Cytogenetic location: 7q31.2.
Variant type: single nucleotide variant.
Coding change: c.3472C>T on transcript NM_000245.4 (MANE Select); coding-DNA position 3472, C replaced by T.
Protein change: p.Pro1158Ser; replaces proline 1158 with serine.
Molecular consequence: missense variant.
Genome position (GRCh38, 1-based): chr7:116,778,907, C>T. VCF-style: chr7-116778907-C-T. GRCh37 (hg19) VCF-style: chr7-116418961-C-T.
Other names: c.3526C>T, p.Pro1176Ser (NM_001127500.3); c.2182C>T, p.Pro728Ser (NM_001324402.2); short protein forms P1158S, P1176S, P728S.
Identifiers: ClinVar variation 823884 (VCV000823884.7), dbSNP rs766489685, ClinGen allele CA4448727.